The following is an entry in ClinVar:

NM_001022.4(RPS19):c.49G>C (p.Ala17Pro)

Genes: RPS19 (ribosomal protein S19; plus strand), RPS19-CD79A (RPS19-CD79A readthrough; plus strand). Cytogenetic location: 19q13.2.
Variant type: single nucleotide variant.
Coding change: c.49G>C on transcript NM_001022.4 (MANE Select); coding-DNA position 49, G replaced by C.
Protein change: p.Ala17Pro; replaces alanine 17 with proline.
Molecular consequence: missense variant.
Genome position (GRCh38, 1-based): chr19:41,860,823, G>C. VCF-style: chr19-41860823-G-C. GRCh37 (hg19) VCF-style: chr19-42364893-G-C.
Other names: c.49G>C, p.Ala17Pro (NM_001321483.2, NM_001321484.2, NM_001321485.2); short protein forms A17P.
Identifiers: ClinVar variation 427171 (VCV000427171.3), dbSNP rs782329429, ClinGen allele CA406046306.

ClinVar aggregate classification (germline): Likely pathogenic (1 of 4 stars; one submission).

Submission:

GeneDx
Classification: Likely pathogenic. Last evaluated: 2021-03-26. Review status: criteria provided, single submitter. Criteria: GeneDx Variant Classification Process June 2021. Collection method: clinical testing. Allele origin: germline. Affected: yes.
Comment: Not observed in large population cohorts (Lek et al., 2016); Missense variants in this gene are often considered pathogenic (Stenson et al., 2014); In silico analysis supports that this missense variant has a deleterious effect on protein structure/function; This variant is associated with the following publications: (PMID: 15678589)